The following is an entry in ClinVar:

NM_017946.4(FKBP14):c.47C>G (p.Ser16Cys)

Genes: FKBP14 (FKBP prolyl isomerase 14; minus strand), FKBP14-AS1 (FKBP14 antisense RNA 1; plus strand). Cytogenetic location: 7p14.3.
Variant type: single nucleotide variant.
Coding change: c.47C>G on transcript NM_017946.4 (MANE Select); coding-DNA position 47, C replaced by G.
Protein change: p.Ser16Cys; replaces serine 16 with cysteine.
Molecular consequence: missense variant. On other transcripts: non-coding transcript variant (3).
Genome position (GRCh38, 1-based): chr7:30,026,462, G>C on the plus strand (C>G on the coding strand, the complement: FKBP14 is on the minus strand). VCF-style: chr7-30026462-G-C. GRCh37 (hg19) VCF-style: chr7-30066078-G-C.
Other names: short protein forms S16C.
Identifiers: ClinVar variation 3515477 (VCV003515477.1).

ClinVar aggregate classification (germline): Uncertain significance (1 of 4 stars; one submission).

Conditions:
Cardiovascular phenotype. Identifiers: MedGen CN230736.

Submission:

Ambry Genetics
Classification: Uncertain significance for Cardiovascular phenotype. Last evaluated: 2024-10-22. Review status: criteria provided, single submitter. Criteria: Ambry Variant Classification Scheme 2023. Collection method: clinical testing. Allele origin: germline.
Comment: The p.S16C variant (also known as c.47C>G), located in coding exon 1 of the FKBP14 gene, results from a C to G substitution at nucleotide position 47. The serine at codon 16 is replaced by cysteine, an amino acid with dissimilar properties. This amino acid position is conserved. In addition, this alteration is predicted to be tolerated by in silico analysis. Based on the available evidence, the clinical significance of this variant remains unclear.